The following is an entry in ClinVar:

NM_001042681.2(RERE):c.3292C>G (p.Leu1098Val)

Gene: RERE (arginine-glutamic acid dipeptide repeats; minus strand). Cytogenetic location: 1p36.23.
Variant type: single nucleotide variant.
Coding change: c.3292C>G on transcript NM_001042681.2 (MANE Select); coding-DNA position 3292, C replaced by G.
Protein change: p.Leu1098Val; replaces leucine 1098 with valine.
Molecular consequence: missense variant.
Genome position (GRCh38, 1-based): chr1:8,360,215, G>C on the plus strand (C>G on the coding strand, the complement: RERE is on the minus strand). VCF-style: chr1-8360215-G-C. GRCh37 (hg19) VCF-style: chr1-8420275-G-C.
Other names: c.1630C>G, p.Leu544Val (NM_001042682.2); c.3292C>G, p.Leu1098Val (NM_012102.4); short protein forms L1098V, L544V.
Identifiers: ClinVar variation 562006 (VCV000562006.1), dbSNP rs1215653376, ClinGen allele CA338170893.

ClinVar aggregate classification (germline): Uncertain significance (1 of 4 stars; one submission).

Conditions:
Neurodevelopmental disorder with or without anomalies of the brain, eye, or heart (NEDBEH). Identifiers: Orphanet 494344, MedGen C5567477, MONDO:0014857, OMIM 616975.

Allele frequency attached by ClinVar (database versions not stated): TOPMed below 0.00001; gnomAD 0.00001.
gnomAD v4.1: 10 of 1,591,196 alleles (0.00063%); highest among the groups gnomAD compares: East Asian, 0.0023%; no homozygotes.

Submission:

Daryl Scott Lab, Baylor College of Medicine
Classification: Uncertain significance for Neurodevelopmental disorder with or without anomalies of the brain, eye, or heart. Last evaluated: 2017-09-12. Review status: criteria provided, single submitter. Criteria: Jordan VK et al. (Hum Mutat 2018). Collection method: clinical testing. Allele origin: de novo. Affected: yes. Observed: 1 variant allele.
Comment: Co-occurant with c.4304A>T variant